The following is an entry in ClinVar:

ClinVar aggregate classification (germline): Uncertain significance (1 of 4 stars; one submission).

Submission:

Labcorp Genetics (formerly Invitae), Labcorp
Classification: Uncertain significance. Last evaluated: 2025-02-16. Review status: criteria provided, single submitter. Criteria: Invitae Variant Classification Sherloc (09022015). Collection method: clinical testing. Allele origin: germline.
Comment: This sequence change creates a premature translational stop signal (p.Ser223Alafs*17) in the NPAT gene. It is expected to result in an absent or disrupted protein product. However, the current clinical and genetic evidence is not sufficient to establish whether loss-of-function variants in NPAT cause disease. This variant is present in population databases (rs749051499, gnomAD 0.0009%). This variant has not been reported in the literature in individuals affected with NPAT-related conditions. In summary, the available evidence is currently insufficient to determine the role of this variant in disease. Therefore, it has been classified as a Variant of Uncertain Significance.

NM_002519.3(NPAT):c.667_670del (p.Ser223fs)

Gene: NPAT (nuclear protein, coactivator of histone transcription; minus strand). Cytogenetic location: 11q22.3.
Variant type: Deletion.
Coding change: c.667_670del on transcript NM_002519.3 (MANE Select); coding-DNA positions 667 to 670, 4 bases deleted (TCTG; older notation c.667_670delTCTG).
Protein change: p.Ser223fs; shifts the reading frame from serine 223.
Molecular consequence: frameshift variant.
Genome position (GRCh38, 1-based): chr11:108,186,538-108,186,541, CAGA deleted on the plus strand (TCTG on the coding strand, the reverse complement: NPAT is on the minus strand); deleting any 4 consecutive bases within chr11:108,186,538-108,186,543 gives the same sequence; the c. name uses the placement nearest the transcript's 3' end. VCF-style (leftmost placement, unchanged base first): chr11-108186537-CCAGA-C. GRCh37 (hg19) VCF-style: chr11-108057264-CCAGA-C.
Other names: c.667_670del, p.Ser223fs (NM_001321307.1); short protein forms S223fs.
Identifiers: ClinVar variation 4703981 (VCV004703981.1).
Genomic context (GRCh38, chr11:108,186,537, plus strand): 5'-CTTACTTTTTCTACTGCAAAAGCGTTTGGATCTTGGAAATTCCGTATTGTTGAATGAGGG[CCAGA>C]CAAAGTGGTACTTTTTCTCTGAGATTCACTGAAACACATTTTAAAAGCTTTTCTTTTAAC-3'